The following is an entry in ClinVar:

ClinVar aggregate classification (germline): Likely pathogenic (1 of 4 stars; one submission).

Conditions:
Cranioectodermal dysplasia 1 (CED1). Also called: LEVIN SYNDROME I. Identifiers: Orphanet 1515, MedGen C0432235, MONDO:0021093, OMIM 218330.

Submission:

First Genomix Gene Laboratory, Genetic Diagnostics Department
Classification: Likely pathogenic for Cranioectodermal dysplasia 1. Last evaluated: 2025-01-09. Review status: criteria provided, single submitter. Criteria: ACMG Guidelines, 2015. Collection method: clinical testing. Allele origin: germline. Inheritance: Autosomal recessive inheritance. Affected: no. Observed: 1 variant allele.

NM_052989.3(IFT122):c.1876del (p.Asp626fs)

Gene: IFT122 (intraflagellar transport 122; plus strand). Cytogenetic location: 3q21.3.
Variant type: Deletion.
Coding change: c.1876del on transcript NM_052989.3 (MANE Select); coding-DNA position 1876, one base deleted (G; older notation c.1876delG).
Protein change: p.Asp626fs; shifts the reading frame from aspartic acid 626.
Molecular consequence: frameshift variant.
Genome position (GRCh38, 1-based): chr3:129,488,281, G deleted; the last of 2 consecutive G bases (chr3:129,488,280-129,488,281); deleting either gives the same sequence. VCF-style (leftmost placement, unchanged base first): chr3-129488279-TG-T. GRCh37 (hg19) VCF-style: chr3-129207122-TG-T.
Other names: c.1852del, p.Asp618fs (NM_001280541.2); c.1426del, p.Asp476fs (NM_001280545.2); c.1249del, p.Asp417fs (NM_001280546.2); c.1876del, p.Asp626fs (NM_001410808.1, NM_001410809.1); c.1699del, p.Asp567fs (NM_001410810.1, NM_001410811.1, NM_001410813.1 and 1 more transcripts); c.1543del, p.Asp515fs (NM_001410815.1, NM_001410817.1, NM_001438041.1 and 1 more transcripts); c.1720del, p.Asp574fs (NM_001438637.1, NM_001438638.1, NM_001438639.1 and 1 more transcripts); c.2029del, p.Asp677fs (NM_052985.4); and 1 more; short protein forms D417fs, D476fs, D515fs, D567fs, D574fs, D618fs, D626fs, D677fs.
Identifiers: ClinVar variation 4845752 (VCV004845752.1).